The following is an entry in ClinVar:

NM_152515.5(CKAP2L):c.1401A>G (p.Gln467=)

Gene: CKAP2L (cytoskeleton associated protein 2L; minus strand). Cytogenetic location: 2q14.1.
Variant type: single nucleotide variant.
Coding change: c.1401A>G on transcript NM_152515.5 (MANE Select); coding-DNA position 1401, A replaced by G.
Protein change: p.Gln467=; no amino-acid change (glutamine 467 retained).
Molecular consequence: synonymous variant. On other transcripts: non-coding transcript variant (1).
Genome position (GRCh38, 1-based): chr2:112,752,468, T>C on the plus strand (A>G on the coding strand, the complement: CKAP2L is on the minus strand). VCF-style: chr2-112752468-T-C. GRCh37 (hg19) VCF-style: chr2-113510045-T-C.
Other names: c.906A>G, p.Gln302= (NM_001304361.2).
Identifiers: ClinVar variation 709164 (VCV000709164.27), dbSNP rs140813167, ClinGen allele CA1836652.

ClinVar aggregate classification (germline): Likely benign. Review status: criteria provided, multiple submitters, no conflicts (2 of 4 stars). 4 submissions from 4 submitters: Likely benign (4). Last evaluated 2025-11-01.

Allele frequency attached by ClinVar (database versions not stated): ESP Exome Variant Server 0.00138; TOPMed 0.00067; gnomAD 0.00069 and 0.00071; gnomAD exomes 0.00070 and 0.00094; ExAC 0.00096.
gnomAD v4.1: 1,447 of 1,596,546 alleles (0.091%); highest among the groups gnomAD compares: Non-Finnish European, 0.11%; 2 homozygotes.

Submissions (4):

CeGaT Center for Human Genetics Tuebingen
Classification: Likely benign. Last evaluated: 2025-11-01. Review status: criteria provided, single submitter. Criteria: CeGaT Center For Human Genetics Tuebingen Variant Classification Criteria Version 2. Collection method: clinical testing. Allele origin: germline. Affected: yes. Observed: 2 variant alleles.
Comment: CKAP2L: BP4, BP7

Labcorp Genetics (formerly Invitae), Labcorp
Classification: Likely benign. Last evaluated: 2025-06-03. Review status: criteria provided, single submitter. Criteria: Invitae Variant Classification Sherloc (09022015). Collection method: clinical testing. Allele origin: germline.

Blueprint Genetics
Classification: Likely benign. Last evaluated: 2024-10-29. Review status: criteria provided, single submitter. Criteria: ACMG Guidelines, 2015. Collection method: clinical testing. Allele origin: germline.

Breakthrough Genomics
Classification: Likely benign. Review status: criteria provided, single submitter. Criteria: ACMG Guidelines, 2015. Collection method: not provided. Allele origin: germline. Inheritance: Autosomal recessive inheritance. Affected: yes.